The following is an entry in ClinVar:

ClinVar aggregate classification (germline): Uncertain significance (1 of 4 stars; one submission).

Submission:

CeGaT Center for Human Genetics Tuebingen
Classification: Uncertain significance. Last evaluated: 2023-02-01. Review status: criteria provided, single submitter. Criteria: CeGaT Center For Human Genetics Tuebingen Variant Classification Criteria Version 2. Collection method: clinical testing. Allele origin: germline. Affected: yes. Observed: 1 variant allele.
Comment: SAMD9: PM2

NM_017654.4(SAMD9):c.1923_1925del (p.Leu642del)

Gene: SAMD9 (sterile alpha motif domain containing 9; minus strand). Cytogenetic location: 7q21.2.
Variant type: Deletion.
Coding change: c.1923_1925del on transcript NM_017654.4 (MANE Select); coding-DNA positions 1923 to 1925, 3 bases deleted (TCT; older notation c.1923_1925delTCT).
Protein change: p.Leu642del; deletes leucine 642.
Molecular consequence: inframe deletion.
Genome position (GRCh38, 1-based): chr7:93,104,173-93,104,175, AGA deleted on the plus strand (TCT on the coding strand, the reverse complement: SAMD9 is on the minus strand); deleting any 3 consecutive bases within chr7:93,104,173-93,104,177 gives the same sequence; the c. name uses the placement nearest the transcript's 3' end. VCF-style (leftmost placement, unchanged base first): chr7-93104172-CAGA-C. GRCh37 (hg19) VCF-style: chr7-92733485-CAGA-C.
Other names: c.1923_1925del, p.Leu642del (NM_001193307.2); short protein forms L642del.
Identifiers: ClinVar variation 2657670 (VCV002657670.24), dbSNP rs2535359487, ClinGen allele CA2695199576.